The following is an entry in ClinVar:

NM_001023570.4(IQCB1):c.543A>G (p.Gly181=)

Gene: IQCB1 (IQ motif containing B1; minus strand). Cytogenetic location: 3q13.33.
Variant type: single nucleotide variant.
Coding change: c.543A>G on transcript NM_001023570.4 (MANE Select); coding-DNA position 543, A replaced by G.
Protein change: p.Gly181=; no amino-acid change (glycine 181 retained).
Molecular consequence: synonymous variant. On other transcripts: non-coding transcript variant (1).
Genome position (GRCh38, 1-based): chr3:121,807,388, T>C on the plus strand (A>G on the coding strand, the complement: IQCB1 is on the minus strand). VCF-style: chr3-121807388-T-C. GRCh37 (hg19) VCF-style: chr3-121526235-T-C.
Other names: c.543A>G, p.Gly181= (NM_001023571.4, NM_001319107.2); c.543A>G (NM_001023570.3).
Identifiers: ClinVar variation 700470 (VCV000700470.13), dbSNP rs372658786, ClinGen allele CA2567377.

ClinVar aggregate classification (germline): Likely benign. Review status: criteria provided, multiple submitters, no conflicts (2 of 4 stars). 4 submissions from 4 submitters: Likely benign (4). Last evaluated 2025-10-29.

Conditions:
IQCB1-related disorder. Also called: IQCB1-related condition.
Senior-Loken syndrome 5 (SLSN5). Identifiers: Orphanet 3156, MedGen C1836517, MONDO:0012225, OMIM 609254.
Nephronophthisis. Also called: Juvenile Nephronophthisis. Identifiers: Orphanet 655, MedGen C0687120, MONDO:0019005, HP:0000090.

Allele frequency attached by ClinVar (database versions not stated): gnomAD 0.00008 and 0.00009; gnomAD exomes 0.00011 and 0.00016; TOPMed 0.00011; ExAC 0.00012; ESP Exome Variant Server 0.00015.
gnomAD v4.1: 239 of 1,585,692 alleles (0.015%); highest among the groups gnomAD compares: Non-Finnish European, 0.02%; no homozygotes.

Submissions (4):

Labcorp Genetics (formerly Invitae), Labcorp
Classification: Likely benign for Nephronophthisis. Last evaluated: 2025-10-29. Review status: criteria provided, single submitter. Criteria: Invitae Variant Classification Sherloc (09022015). Collection method: clinical testing. Allele origin: germline.

PreventionGenetics, part of Exact Sciences
Classification: Likely benign for IQCB1-related condition. Last evaluated: 2025-04-25. Review status: criteria provided, single submitter. Criteria: ACMG Guidelines, 2015. Collection method: clinical testing. Allele origin: germline.
Comment: This variant is classified as likely benign based on ACMG/AMP sequence variant interpretation guidelines (Richards et al. 2015 PMID: 25741868, with internal and published modifications).

Blueprint Genetics
Classification: Likely benign. Last evaluated: 2024-07-10. Review status: criteria provided, single submitter. Criteria: ACMG Guidelines, 2015. Collection method: clinical testing. Allele origin: germline.

Fulgent Genetics
Classification: Likely benign for Senior-Loken syndrome 5. Last evaluated: 2021-08-16. Review status: criteria provided, single submitter. Criteria: ACMG Guidelines, 2015. Collection method: clinical testing. Allele origin: unknown.